The following is an entry in ClinVar:

ClinVar aggregate classification (germline): Conflicting classifications of pathogenicity. Review status: criteria provided, conflicting classifications (1 of 4 stars). 4 submissions from 3 submitters: Uncertain significance (3); Likely benign (1). Last evaluated 2025-12-02.

Conditions:
Weill-Marchesani syndrome. Also called: WM Syndrome; Mesodermal dysmorphodystrophy congenital. Identifiers: Orphanet 3449, MedGen C0265313, MONDO:0018096.
Glaucoma 3, primary congenital, D. Identifiers: Orphanet 98976, MedGen C2751316, MONDO:0013122, OMIM 613086.

Allele frequency attached by ClinVar (database versions not stated): ESP Exome Variant Server 0.00015; TOPMed 0.00020; gnomAD 0.00021 and 0.00025; gnomAD exomes 0.00027 and 0.00056; ExAC 0.00072; 1000 Genomes Project 30x 0.00078; 1000 Genomes Project 0.00080.
gnomAD v4.1: 433 of 1,610,666 alleles (0.027%); highest among the groups gnomAD compares: East Asian, 0.3%; 5 homozygotes.

Submissions (4):

Labcorp Genetics (formerly Invitae), Labcorp
Classification: Likely benign. Last evaluated: 2025-12-02. Review status: criteria provided, single submitter. Criteria: Invitae Variant Classification Sherloc (09022015). Collection method: clinical testing. Allele origin: germline.

GeneDx
Classification: Uncertain significance. Last evaluated: 2023-01-12. Review status: criteria provided, single submitter. Criteria: GeneDx Variant Classification Process June 2021. Collection method: clinical testing. Allele origin: germline. Affected: yes.
Comment: Identified in a single patient with primary congenital glaucoma in the published literature who also had variants in other related genes; variant was inherited from an unaffected parent (Qiao et al., 2021); In silico analysis supports that this missense variant has a deleterious effect on protein structure/function; This variant is associated with the following publications: (PMID: 34956319)

Illumina Laboratory Services, Illumina
Classification: Uncertain significance for Weill-Marchesani syndrome. Last evaluated: 2018-01-12. Review status: criteria provided, single submitter. Criteria: ICSL Variant Classification Criteria 13 December 2019. Collection method: clinical testing. Allele origin: germline.

Illumina Laboratory Services, Illumina
Classification: Uncertain significance for Glaucoma 3, primary congenital, D. Last evaluated: 2018-01-12. Review status: criteria provided, single submitter. Criteria: ICSL Variant Classification Criteria 13 December 2019. Collection method: clinical testing. Allele origin: germline.

NM_000428.3(LTBP2):c.2657C>A (p.Thr886Lys)

Gene: LTBP2 (latent transforming growth factor beta binding protein 2; minus strand). Cytogenetic location: 14q24.3.
Variant type: single nucleotide variant.
Coding change: c.2657C>A on transcript NM_000428.3 (MANE Select); coding-DNA position 2657, C replaced by A.
Protein change: p.Thr886Lys; replaces threonine 886 with lysine.
Molecular consequence: missense variant.
Genome position (GRCh38, 1-based): chr14:74,522,792, G>T on the plus strand (C>A on the coding strand, the complement: LTBP2 is on the minus strand). VCF-style: chr14-74522792-G-T. GRCh37 (hg19) VCF-style: chr14-74989495-G-T.
Other names: short protein forms T886K.
Identifiers: ClinVar variation 314297 (VCV000314297.10), dbSNP rs201591982, ClinGen allele CA7269439.
Genomic context (GRCh38, chr14:74,522,792, plus strand): 5'-AGCCCCTGCTCCCATCTACCCCAGCCGCCAAGTAAGCCCAGGGCACCCAAGTGAATACCT[G>T]TGCAGTAGGCCTGGCTGGGGTGCAGCTGGTAGCCAGGGCTGCAGACACATCTGTATCCAT-3'
Protein context (NP_000419.1, residues 876-896): YQLHPSQAYC[Thr886Lys]DDNECLRDPC